The following is an entry in ClinVar:

NM_018896.5(CACNA1G):c.4802G>T (p.Arg1601Leu)

Gene: CACNA1G (calcium voltage-gated channel subunit alpha1 G; plus strand). Cytogenetic location: 17q21.33.
Variant type: single nucleotide variant.
Coding change: c.4802G>T on transcript NM_018896.5 (MANE Select); coding-DNA position 4802, G replaced by T.
Protein change: p.Arg1601Leu; replaces arginine 1601 with leucine.
Molecular consequence: missense variant. On other transcripts: non-coding transcript variant (5).
Genome position (GRCh38, 1-based): chr17:50,615,403, G>T. VCF-style: chr17-50615403-G-T. GRCh37 (hg19) VCF-style: chr17-48692764-G-T.
Other names: c.4748G>T, p.Arg1583Leu (NM_001256324.2, NM_001256328.2, NM_198386.3); c.4823G>T, p.Arg1608Leu (NM_001256325.2); c.4667G>T, p.Arg1556Leu (NM_001256326.2, NM_001256330.2); c.4802G>T, p.Arg1601Leu (NM_001256327.2, NM_001256333.2, NM_198384.3 and 1 more transcripts); c.4700G>T, p.Arg1567Leu (NM_001256329.2, NM_198376.3, NM_198379.3 and 2 more transcripts); c.4646G>T, p.Arg1549Leu (NM_001256331.2); c.4631G>T, p.Arg1544Leu (NM_001256332.2); c.4769G>T, p.Arg1590Leu (NM_001256334.2, NM_198377.3, NM_198378.3 and 1 more transcripts); and 5 more; short protein forms R1544L, R1549L, R1556L, R1560L, R1563L, R1565L, R1567L, R1574L.
Identifiers: ClinVar variation 1698245 (VCV001698245.2), dbSNP rs2146211275, ClinGen allele CA400261285.

ClinVar aggregate classification (germline): Uncertain significance (1 of 4 stars; one submission).

Submission:

GeneDx
Classification: Uncertain significance. Last evaluated: 2022-01-24. Review status: criteria provided, single submitter. Criteria: GeneDx Variant Classification Process June 2021. Collection method: clinical testing. Allele origin: germline. Affected: yes.
Comment: Not observed at significant frequency in large population cohorts (gnomAD); In silico analysis supports that this missense variant has a deleterious effect on protein structure/function; Has not been previously published as pathogenic or benign to our knowledge